The following is an entry in ClinVar:

NM_021076.4(NEFH):c.1936_1937insGAAAGTCCCCTGAGAAGG (p.Glu645_Ala646insGlyLysSerProGluLys)

Gene: NEFH (neurofilament heavy chain; plus strand). Cytogenetic location: 22q12.2.
Variant type: Insertion.
Coding change: c.1936_1937insGAAAGTCCCCTGAGAAGG on transcript NM_021076.4 (MANE Select); coding-DNA positions 1936 to 1937, GAAAGTCCCCTGAGAAGG inserted.
Protein change: p.Glu645_Ala646insGlyLysSerProGluLys.
Molecular consequence: inframe insertion.
Genome position: GRCh38 VCF-style: chr22-29489575-A-AGGAAAGTCCCCTGAGAAG. GRCh37 (hg19) VCF-style: chr22-29885564-A-AGGAAAGTCCCCTGAGAAG.
Identifiers: ClinVar variation 1351877 (VCV001351877.6), dbSNP rs371230849, ClinGen allele CA10174299.

ClinVar aggregate classification (germline): Uncertain significance (1 of 4 stars; one submission).

Submission:

Labcorp Genetics (formerly Invitae), Labcorp
Classification: Uncertain significance. Last evaluated: 2021-08-15. Review status: criteria provided, single submitter. Criteria: Invitae Variant Classification Sherloc (09022015). Collection method: clinical testing. Allele origin: germline.
Comment: This variant, c.1936_1937insGAAAGTCCCCTGAGAAGG, results in the insertion of 6 amino acid(s) to the NEFH protein (p.Glu645_Ala646insGlyLysSerProGluLys), but otherwise preserves the integrity of the reading frame. The frequency data for this variant in the population databases is considered unreliable, as metrics indicate poor data quality at this position in the ExAC database. This variant has not been reported in the literature in individuals affected with NEFH-related conditions. Experimental studies and prediction algorithms are not available or were not evaluated, and the functional significance of this variant is currently unknown. In summary, the available evidence is currently insufficient to determine the role of this variant in disease. Therefore, it has been classified as a Variant of Uncertain Significance.